The following is an entry in ClinVar:

NM_005477.3(HCN4):c.1696G>A (p.Glu566Lys)

Gene: HCN4 (hyperpolarization activated cyclic nucleotide gated potassium channel 4; minus strand). Cytogenetic location: 15q24.1.
Variant type: single nucleotide variant.
Coding change: c.1696G>A on transcript NM_005477.3 (MANE Select); coding-DNA position 1696, G replaced by A.
Protein change: p.Glu566Lys; replaces glutamic acid 566 with lysine.
Molecular consequence: missense variant.
Genome position (GRCh38, 1-based): chr15:73,325,339, C>T on the plus strand (G>A on the coding strand, the complement: HCN4 is on the minus strand). VCF-style: chr15-73325339-C-T. GRCh37 (hg19) VCF-style: chr15-73617680-C-T.
Other names: c.1696G>A (NM_005477.2); short protein forms E566K.
Identifiers: ClinVar variation 1046913 (VCV001046913.9), dbSNP rs1480242620, ClinGen allele CA393091945.

ClinVar aggregate classification (germline): Uncertain significance. Review status: criteria provided, multiple submitters, no conflicts (2 of 4 stars). 2 submissions from 2 submitters: Uncertain significance (2). Last evaluated 2025-05-27.

Conditions:
Brugada syndrome 8 (BRGDA8). Identifiers: Orphanet 130, MedGen C2751083, MONDO:0013148, OMIM 613123.

Allele frequency attached by ClinVar (database versions not stated): gnomAD exomes below 0.00001.

Submissions (2):

GeneDx
Classification: Uncertain significance. Last evaluated: 2025-05-27. Review status: criteria provided, single submitter. Criteria: GeneDx Variant Classification Process June 2021. Collection method: clinical testing. Allele origin: germline. Affected: yes.
Comment: Not observed at significant frequency in large population cohorts (gnomAD); In silico analysis supports that this missense variant has a deleterious effect on protein structure/function; Has not been previously published as pathogenic or benign to our knowledge

Labcorp Genetics (formerly Invitae), Labcorp
Classification: Uncertain significance for Brugada syndrome 8. Last evaluated: 2021-04-12. Review status: criteria provided, single submitter. Criteria: Invitae Variant Classification Sherloc (09022015). Collection method: clinical testing. Allele origin: germline.
Comment: This variant is not present in population databases (ExAC no frequency). This variant has not been reported in the literature in individuals with HCN4-related conditions. In summary, the available evidence is currently insufficient to determine the role of this variant in disease. Therefore, it has been classified as a Variant of Uncertain Significance. This sequence change replaces glutamic acid with lysine at codon 566 of the HCN4 protein (p.Glu566Lys). The glutamic acid residue is highly conserved and there is a small physicochemical difference between glutamic acid and lysine.